The following is an entry in ClinVar:

ClinVar aggregate classification (germline): Uncertain significance (1 of 4 stars; one submission).

Conditions:
Familial intrahepatic cholestasis. Identifiers: Orphanet 284385, MedGen CN296401, MONDO:0017290.

Submission:

Genomenon, Inc
Classification: Uncertain significance for Familial intrahepatic cholestasis. Last evaluated: 2026-04-14. Review status: criteria provided, single submitter. Criteria: Genomenon Sequence Variant Interpretation Standards - Updated. Collection method: curation. Allele origin: germline. Affected: yes.
Comment: ATP8B1 p.Asp554Ala (c.1661A>C) is a missense variant that changes the amino acid at residue 554 from Aspartic acid to Alanine. This variant has been reported in at least one proband with features of ATP8B1-deficiency (PMID:26382629;27050426). The presence of pathogenic/likely pathogenic missense variant(s) at the same amino acid position indicates that this residue is likely important for protein function. It is absent or not present at a significant frequency in gnomAD. In silico models predict that this variant is possibly or probably damaging. In conclusion, we classify ATP8B1 p.Asp554Ala (c.1661A>C) as a variant of uncertain significance.

Literature cited by the submitters: PubMed 26382629; PubMed 27050426.

NM_001374385.1(ATP8B1):c.1661A>C (p.Asp554Ala)

Gene: ATP8B1 (ATPase phospholipid transporting 8B1; minus strand). Cytogenetic location: 18q21.31.
Variant type: single nucleotide variant.
Coding change: c.1661A>C on transcript NM_001374385.1 (MANE Select); coding-DNA position 1661, A replaced by C.
Protein change: p.Asp554Ala; replaces aspartic acid 554 with alanine.
Molecular consequence: missense variant.
Genome position (GRCh38, 1-based): chr18:57,674,992, T>G on the plus strand (A>C on the coding strand, the complement: ATP8B1 is on the minus strand). VCF-style: chr18-57674992-T-G. GRCh37 (hg19) VCF-style: chr18-55342224-T-G.
Other names: c.1511A>C, p.Asp504Ala (NM_001374386.1); c.1661A>C, p.Asp554Ala (NM_005603.6); short protein forms D504A, D554A.
Identifiers: ClinVar variation 4846713 (VCV004846713.1).